The following is an entry in ClinVar:

NM_014391.3(ANKRD1):c.13A>C (p.Lys5Gln)

Gene: ANKRD1 (ankyrin repeat domain 1; minus strand). Cytogenetic location: 10q23.31.
Variant type: single nucleotide variant.
Coding change: c.13A>C on transcript NM_014391.3 (MANE Select); coding-DNA position 13, A replaced by C.
Protein change: p.Lys5Gln; replaces lysine 5 with glutamine.
Molecular consequence: missense variant.
Genome position (GRCh38, 1-based): chr10:90,921,015, T>G on the plus strand (A>C on the coding strand, the complement: ANKRD1 is on the minus strand). VCF-style: chr10-90921015-T-G. GRCh37 (hg19) VCF-style: chr10-92680772-T-G.
Other names: short protein forms K5Q.
Identifiers: ClinVar variation 2122394 (VCV002122394.4), dbSNP rs2492964545, ClinGen allele CA377554393.

ClinVar aggregate classification (germline): Uncertain significance (1 of 4 stars; one submission).

Conditions:
ANKRD1-related dilated cardiomyopathy. Identifiers: MedGen CN119551.

Allele frequency attached by ClinVar (database versions not stated): gnomAD exomes below 0.00001.
gnomAD v4.1: 1 of 1,614,052 alleles (0.000062%); highest among the groups gnomAD compares: Non-Finnish European, 0.000085%; no homozygotes.

Submission:

Labcorp Genetics (formerly Invitae), Labcorp
Classification: Uncertain significance for ANKRD1-related dilated cardiomyopathy. Last evaluated: 2024-07-30. Review status: criteria provided, single submitter. Criteria: Invitae Variant Classification Sherloc (09022015). Collection method: clinical testing. Allele origin: germline.
Comment: This sequence change replaces lysine, which is basic and polar, with glutamine, which is neutral and polar, at codon 5 of the ANKRD1 protein (p.Lys5Gln). This variant is not present in population databases (gnomAD no frequency). This variant has not been reported in the literature in individuals affected with ANKRD1-related conditions. ClinVar contains an entry for this variant (Variation ID: 2122394). An algorithm developed to predict the effect of missense changes on protein structure and function outputs the following: PolyPhen-2: "Benign". The glutamine amino acid residue is found in multiple mammalian species, which suggests that this missense change does not adversely affect protein function. In summary, the available evidence is currently insufficient to determine the role of this variant in disease. Therefore, it has been classified as a Variant of Uncertain Significance.